The following is an entry in ClinVar:

ClinVar aggregate classification (germline): Uncertain significance. Review status: criteria provided, multiple submitters, no conflicts (2 of 4 stars). 3 submissions from 3 submitters: Uncertain significance (3). Last evaluated 2025-01-17.

Conditions:
Ichthyosis linearis circumflexa. Identifiers: MedGen C0265962, MONDO:0043106, HP:0025810.

Allele frequency attached by ClinVar (database versions not stated): gnomAD 0.00005 and 0.00006; ESP Exome Variant Server 0.00008; TOPMed 0.00012; gnomAD exomes 0.00013 and 0.00016; ExAC 0.00015; 1000 Genomes Project 30x 0.00016; 1000 Genomes Project 0.00020.
gnomAD v4.1: 190 of 1,613,746 alleles (0.012%); highest among the groups gnomAD compares: East Asian, 0.085%; no homozygotes.

Submissions (3):

Labcorp Genetics (formerly Invitae), Labcorp
Classification: Uncertain significance for Ichthyosis linearis circumflexa. Last evaluated: 2025-01-17. Review status: criteria provided, single submitter. Criteria: Invitae Variant Classification Sherloc (09022015). Collection method: clinical testing. Allele origin: germline.
Comment: This sequence change replaces arginine, which is basic and polar, with glutamine, which is neutral and polar, at codon 853 of the SPINK5 protein (p.Arg853Gln). This variant is present in population databases (rs376107938, gnomAD 0.1%). This variant has not been reported in the literature in individuals affected with SPINK5-related conditions. ClinVar contains an entry for this variant (Variation ID: 648603). Invitae Evidence Modeling of protein sequence and biophysical properties (such as structural, functional, and spatial information, amino acid conservation, physicochemical variation, residue mobility, and thermodynamic stability) indicates that this missense variant is expected to disrupt SPINK5 protein function with a positive predictive value of 80%. In summary, the available evidence is currently insufficient to determine the role of this variant in disease. Therefore, it has been classified as a Variant of Uncertain Significance.

Blueprint Genetics
Classification: Uncertain significance. Last evaluated: 2024-11-12. Review status: criteria provided, single submitter. Criteria: ACMG Guidelines, 2015. Collection method: clinical testing. Allele origin: germline.

GeneDx
Classification: Uncertain significance. Last evaluated: 2019-04-29. Review status: criteria provided, single submitter. Criteria: GeneDx Variant Classification Process June 2021. Collection method: clinical testing. Allele origin: germline. Affected: yes.
Comment: Has not been previously published as pathogenic or benign to our knowledge

NM_006846.4(SPINK5):c.2558G>A (p.Arg853Gln)

Gene: SPINK5 (serine peptidase inhibitor Kazal type 5; plus strand). Cytogenetic location: 5q32.
Variant type: single nucleotide variant.
Coding change: c.2558G>A on transcript NM_006846.4 (MANE Select); coding-DNA position 2558, G replaced by A.
Protein change: p.Arg853Gln; replaces arginine 853 with glutamine.
Molecular consequence: missense variant.
Genome position (GRCh38, 1-based): chr5:148,123,852, G>A. VCF-style: chr5-148123852-G-A. GRCh37 (hg19) VCF-style: chr5-147503415-G-A.
Other names: c.2558G>A, p.Arg853Gln (NM_001127698.2, NM_001127699.2); short protein forms R853Q.
Identifiers: ClinVar variation 648603 (VCV000648603.8), dbSNP rs376107938, ClinGen allele CA3496039.
Genomic context (GRCh38, chr5:148,123,852, plus strand): 5'-TATACCATGACAGTAACAACTTTTTCTGCTACTGTTGGTAGGATCTGTGTCGTGAATTTC[G>A]AAGCATGCAGAGAAATGGAAAGCTTATCTGCACCAGAGAAAATAACCCTGTTCGAGGCCC-3'
Protein context (NP_006837.2, residues 843-863): NDKEDLCREF[Arg853Gln]SMQRNGKLIC